The following is an entry in ClinVar:

ClinVar aggregate classification (germline): Uncertain significance (1 of 4 stars; one submission).

Conditions:
Bethlem myopathy 1A. Also called: Bethlem Muscular Dystrophy; MYOPATHY, BENIGN CONGENITAL, WITH CONTRACTURES; Bethlem myopathy 1. Identifiers: Orphanet 610, MedGen CN029274, MONDO:0024530, OMIM 158810.

Allele frequency attached by ClinVar (database versions not stated): TOPMed 0.00003.
gnomAD v4.1: 10 of 1,613,892 alleles (0.00062%); highest among the groups gnomAD compares: South Asian, 0.0022%; no homozygotes.

Submission:

Labcorp Genetics (formerly Invitae), Labcorp
Classification: Uncertain significance for Bethlem myopathy 1A. Last evaluated: 2024-04-11. Review status: criteria provided, single submitter. Criteria: Invitae Variant Classification Sherloc (09022015). Collection method: clinical testing. Allele origin: germline.
Comment: This sequence change replaces alanine, which is neutral and non-polar, with threonine, which is neutral and polar, at codon 1370 of the COL6A3 protein (p.Ala1370Thr). The frequency data for this variant in the population databases is considered unreliable, as metrics indicate poor data quality at this position in the gnomAD database. This variant has not been reported in the literature in individuals affected with COL6A3-related conditions. ClinVar contains an entry for this variant (Variation ID: 476521). Advanced modeling of protein sequence and biophysical properties (such as structural, functional, and spatial information, amino acid conservation, physicochemical variation, residue mobility, and thermodynamic stability) has been performed at Invitae for this missense variant, however the output from this modeling did not meet the statistical confidence thresholds required to predict the impact of this variant on COL6A3 protein function. In summary, the available evidence is currently insufficient to determine the role of this variant in disease. Therefore, it has been classified as a Variant of Uncertain Significance.

NM_004369.4(COL6A3):c.4108G>A (p.Ala1370Thr)

Gene: COL6A3 (collagen type VI alpha 3 chain; minus strand). Cytogenetic location: 2q37.3.
Variant type: single nucleotide variant.
Coding change: c.4108G>A on transcript NM_004369.4 (MANE Select); coding-DNA position 4108, G replaced by A.
Protein change: p.Ala1370Thr; replaces alanine 1370 with threonine.
Molecular consequence: missense variant.
Genome position (GRCh38, 1-based): chr2:237,371,909, C>T on the plus strand (G>A on the coding strand, the complement: COL6A3 is on the minus strand). VCF-style: chr2-237371909-C-T. GRCh37 (hg19) VCF-style: chr2-238280552-C-T.
Other names: c.2887G>A, p.Ala963Thr (NM_057164.5); c.3490G>A, p.Ala1164Thr (NM_057165.5, NM_057167.4); c.2287G>A, p.Ala763Thr (NM_057166.5); short protein forms A1370T, A1164T, A763T, A963T.
Identifiers: ClinVar variation 476521 (VCV000476521.9), dbSNP rs372234605, ClinGen allele CA2188991.